The following is an entry in ClinVar:

NM_002439.5(MSH3):c.953T>G (p.Ile318Ser)

Genes: MSH3 (mutS homolog 3; plus strand), LOC126807437 (MED14-independent group 3 enhancer GRCh37_chr5:79968379-79969578; plus strand). Cytogenetic location: 5q14.1.
Variant type: single nucleotide variant.
Coding change: c.953T>G on transcript NM_002439.5 (MANE Select); coding-DNA position 953, T replaced by G.
Protein change: p.Ile318Ser; replaces isoleucine 318 with serine.
Molecular consequence: missense variant.
Genome position (GRCh38, 1-based): chr5:80,672,784, T>G. VCF-style: chr5-80672784-T-G. GRCh37 (hg19) VCF-style: chr5-79968603-T-G.
Other names: short protein forms I318S.
Identifiers: ClinVar variation 5024813 (VCV005024813.1).

ClinVar aggregate classification (germline): Uncertain significance (1 of 4 stars; one submission).

Conditions:
Hereditary cancer-predisposing syndrome. Also called: Neoplastic Syndromes, Hereditary; Tumor predisposition; Hereditary neoplastic syndrome; Hereditary Cancer Syndrome. Identifiers: Orphanet 140162, MedGen C0027672, MeSH D009386, MONDO:0015356.

gnomAD v4.1: 1 of 1,614,064 alleles (0.000062%); highest among the groups gnomAD compares: African/African-American, 0.0013%; no homozygotes.

Submission:

Ambry Genetics
Classification: Uncertain significance for Hereditary cancer-predisposing syndrome. Last evaluated: 2026-07-26. Review status: criteria provided, single submitter. Criteria: Ambry Variant Classification Scheme 2023. Collection method: clinical testing. Allele origin: germline.
Comment: The p.I318S variant (also known as c.953T>G), located in coding exon 6 of the MSH3 gene, results from a T to G substitution at nucleotide position 953. The isoleucine at codon 318 is replaced by serine, an amino acid with dissimilar properties. This amino acid position is conserved. In addition, this alteration is predicted to be tolerated by in silico analysis. Based on the available evidence, the clinical significance of this variant remains unclear.